The following is an entry in ClinVar:

ClinVar aggregate classification (germline): Uncertain significance. Review status: criteria provided, multiple submitters, no conflicts (2 of 4 stars). 2 submissions from 2 submitters: Uncertain significance (2). Last evaluated 2026-06-20.

Conditions:
PRDM13-related disorder. Also called: PRDM13-related condition.

Allele frequency attached by ClinVar (database versions not stated): gnomAD 0.00001; gnomAD exomes 0.00001; TOPMed 0.00001.

Submissions (2):

PreventionGenetics, part of Exact Sciences
Classification: Uncertain significance for PRDM13-related condition. Last evaluated: 2026-06-20. Review status: criteria provided, single submitter. Criteria: ACMG Guidelines, 2015. Collection method: clinical testing. Allele origin: germline.
Comment: The PRDM13 c.670C>T variant is predicted to result in the amino acid substitution p.Arg224Trp. To our knowledge, this variant has not been reported in the literature. This variant is reported in 0.0068% of alleles in individuals of East Asian descent in gnomAD. At this time, the clinical significance of this variant is uncertain due to the absence of conclusive functional and genetic evidence.

Labcorp Genetics (formerly Invitae), Labcorp
Classification: Uncertain significance. Last evaluated: 2025-06-18. Review status: criteria provided, single submitter. Criteria: Invitae Variant Classification Sherloc (09022015). Collection method: clinical testing. Allele origin: germline.
Comment: This sequence change replaces arginine, which is basic and polar, with tryptophan, which is neutral and slightly polar, at codon 224 of the PRDM13 protein (p.Arg224Trp). The frequency data for this variant in the population databases is considered unreliable, as metrics indicate poor data quality at this position in the gnomAD database. This variant has not been reported in the literature in individuals affected with PRDM13-related conditions. ClinVar contains an entry for this variant (Variation ID: 1487563). An algorithm developed to predict the effect of missense changes on protein structure and function (PolyPhen-2) suggests that this variant is likely to be disruptive. In summary, the available evidence is currently insufficient to determine the role of this variant in disease. Therefore, it has been classified as a Variant of Uncertain Significance.

NM_021620.4(PRDM13):c.670C>T (p.Arg224Trp)

Gene: PRDM13 (PR/SET domain 13; plus strand). Cytogenetic location: 6q16.2.
Variant type: single nucleotide variant.
Coding change: c.670C>T on transcript NM_021620.4 (MANE Select); coding-DNA position 670, C replaced by T.
Protein change: p.Arg224Trp; replaces arginine 224 with tryptophan.
Molecular consequence: missense variant.
Genome position (GRCh38, 1-based): chr6:99,613,305, C>T. VCF-style: chr6-99613305-C-T. GRCh37 (hg19) VCF-style: chr6-100061181-C-T.
Other names: c.670C>T (NM_021620.3); short protein forms R224W.
Identifiers: ClinVar variation 1487563 (VCV001487563.9), dbSNP rs933275973, ClinGen allele CA143975021.